The following is an entry in ClinVar:

NM_014141.6(CNTNAP2):c.2466C>A (p.Asp822Glu)

Gene: CNTNAP2 (contactin associated protein 2; plus strand). Cytogenetic location: 7q35.
Variant type: single nucleotide variant.
Coding change: c.2466C>A on transcript NM_014141.6 (MANE Select); coding-DNA position 2466, C replaced by A.
Protein change: p.Asp822Glu; replaces aspartic acid 822 with glutamic acid.
Molecular consequence: missense variant.
Genome position (GRCh38, 1-based): chr7:148,118,200, C>A. VCF-style: chr7-148118200-C-A. GRCh37 (hg19) VCF-style: chr7-147815292-C-A.
Other names: short protein forms D822E.
Identifiers: ClinVar variation 392971 (VCV000392971.2), dbSNP rs1057524723, ClinGen allele CA16605067.

ClinVar aggregate classification (germline): Uncertain significance (1 of 4 stars; one submission).

Allele frequency attached by ClinVar (database versions not stated): TOPMed 0.00001 and below 0.00001; gnomAD 0.00001.
gnomAD v4.1: 2 of 1,614,046 alleles (0.00012%); highest among the groups gnomAD compares: Non-Finnish European, 0.00017%; no homozygotes.

Submission:

GeneDx
Classification: Uncertain significance. Last evaluated: 2017-01-17. Review status: criteria provided, single submitter. Criteria: GeneDx Variant Classification (06012015). Collection method: clinical testing. Allele origin: germline. Affected: yes.
Comment: A variant of uncertain significance has been identified in the CNTNAP2 gene. The D822E variant has not been published as a pathogenic variant, nor has it been reported as a benign variant to our knowledge. The D822E variant is not observed in large population cohorts (Lek et al., 2016; 1000 Genomes Consortium et al., 2015; Exome Variant Server). This substitution occurs at a position that is conserved across species, and in silico analysis predicts this variant is probably damaging to the protein structure/function. However, the D822E variant is a conservative amino acid substitution, which is not likely to impact secondary protein structure as these residues share similar properties. Therefore, based on the currently available information, it is unclear whether this variant is a pathogenic variant or a rare benign variant.